The following is an entry in ClinVar:

NM_001378454.1(ALMS1):c.1990G>T (p.Val664Leu)

Gene: ALMS1 (ALMS1 centrosome and basal body associated protein; plus strand). Cytogenetic location: 2p13.1.
Variant type: single nucleotide variant.
Coding change: c.1990G>T on transcript NM_001378454.1 (MANE Select); coding-DNA position 1990, G replaced by T.
Protein change: p.Val664Leu; replaces valine 664 with leucine.
Molecular consequence: missense variant.
Genome position (GRCh38, 1-based): chr2:73,448,517, G>T. VCF-style: chr2-73448517-G-T. GRCh37 (hg19) VCF-style: chr2-73675644-G-T.
Other names: c.1993G>T, p.Val665Leu (NM_015120.4); short protein forms V664L, V665L.
Identifiers: ClinVar variation 1488696 (VCV001488696.3), dbSNP rs754619355, ClinGen allele CA347266115.

ClinVar aggregate classification (germline): Uncertain significance (1 of 4 stars; one submission).

Conditions:
Alstrom syndrome (ALMS). Identifiers: Orphanet 64, MedGen C0268425, MONDO:0008763, OMIM 203800.

gnomAD v4.1: 6 of 1,613,880 alleles (0.00037%); highest among the groups gnomAD compares: Non-Finnish European, 0.00042%; no homozygotes.

Submission:

Labcorp Genetics (formerly Invitae), Labcorp
Classification: Uncertain significance for Alstrom syndrome. Last evaluated: 2022-04-11. Review status: criteria provided, single submitter. Criteria: Invitae Variant Classification Sherloc (09022015). Collection method: clinical testing. Allele origin: germline.
Comment: This sequence change replaces valine, which is neutral and non-polar, with leucine, which is neutral and non-polar, at codon 665 of the ALMS1 protein (p.Val665Leu). This variant is not present in population databases (gnomAD no frequency). This variant has not been reported in the literature in individuals affected with ALMS1-related conditions. Experimental studies and prediction algorithms are not available or were not evaluated, and the functional significance of this variant is currently unknown. In summary, the available evidence is currently insufficient to determine the role of this variant in disease. Therefore, it has been classified as a Variant of Uncertain Significance.